The following is an entry in ClinVar:

ClinVar aggregate classification (germline): Uncertain significance (1 of 4 stars; one submission).

Conditions:
Ataxia-telangiectasia syndrome (AT). Also called: Cerebello-oculocutaneous telangiectasia; Immunodeficiency with ataxia telangiectasia; Ataxia-telangiectasia, complementation group E; Ataxia-telangiectasia, complementation group D; LOUIS-BAR SYNDROME; AT, COMPLEMENTATION GROUP C. Identifiers: Orphanet 100, MedGen C0004135, MONDO:0008840, OMIM 208900.

Submission:

Labcorp Genetics (formerly Invitae), Labcorp
Classification: Uncertain significance for Ataxia-telangiectasia syndrome. Last evaluated: 2023-03-09. Review status: criteria provided, single submitter. Criteria: Invitae Variant Classification Sherloc (09022015). Collection method: clinical testing. Allele origin: germline.
Comment: In summary, the available evidence is currently insufficient to determine the role of this variant in disease. Therefore, it has been classified as a Variant of Uncertain Significance. An algorithm developed to predict the effect of missense changes on protein structure and function (PolyPhen-2) suggests that this variant is likely to be tolerated. This variant has not been reported in the literature in individuals affected with ATM-related conditions. This variant is not present in population databases (gnomAD no frequency). This sequence change replaces valine, which is neutral and non-polar, with leucine, which is neutral and non-polar, at codon 1723 of the ATM protein (p.Val1723Leu).

NM_000051.4(ATM):c.5167G>C (p.Val1723Leu)

Gene: ATM (ATM serine/threonine kinase; plus strand). Cytogenetic location: 11q22.3.
Variant type: single nucleotide variant.
Coding change: c.5167G>C on transcript NM_000051.4 (MANE Select); coding-DNA position 5167, G replaced by C.
Protein change: p.Val1723Leu; replaces valine 1723 with leucine.
Molecular consequence: missense variant.
Genome position (GRCh38, 1-based): chr11:108,299,875, G>C. VCF-style: chr11-108299875-G-C. GRCh37 (hg19) VCF-style: chr11-108170602-G-C.
Other names: c.5167G>C, p.Val1723Leu (NM_001351834.2); short protein forms V1723L.
Identifiers: ClinVar variation 2844394 (VCV002844394.3), dbSNP rs1565474312, ClinGen allele CA382541166.
Genomic context (GRCh38, chr11:108,299,875, plus strand): 5'-TTTGAAGATAAAGAACTTCAGTGGACCTTCATAATGCTGACCTACCTGAATAACACACTG[G>C]TAGAAGATTGGTGAGTATTTATTGATACCTTATATGTAATCTCAATATGACATTCATGGA-3'
Protein context (NP_000042.3, residues 1713-1733): IMLTYLNNTL[Val1723Leu]EDCVKVRSAA